The following is an entry in ClinVar:

ClinVar aggregate classification (germline): Pathogenic (1 of 4 stars; one submission).

Conditions:
Autosomal recessive nonsyndromic hearing loss 12. Also called: DEAFNESS, AUTOSOMAL RECESSIVE 12. Identifiers: Orphanet 90636, MedGen C1832394, MONDO:0011067, OMIM 601386.

Submission:

Cellular and Molecular Research Center, Cellular and Molecular Medicine Research Institute,, Urmia University of Medical Sciences
Classification: Pathogenic for Autosomal recessive nonsyndromic hearing loss 12. Last evaluated: 2026-10-18. Review status: criteria provided, single submitter. Criteria: ACMG Guidelines, 2015. Collection method: clinical testing. Allele origin: germline. Inheritance: Autosomal recessive inheritance. Affected: yes. Observed: 1 variant allele, 1 homozygote.
Comment: The CDH23 gene encodes cadherin-23, a protein essential for the structure and function of stereocilia in inner-ear hair cells. Biallelic pathogenic variants in CDH23 are associated with Usher syndrome type 1D and autosomal recessive nonsyndromic hearing loss (DFNB12). The variant c.5851G>A, p.(Asp1951Asn) is a missense transition previously reported by Bademci et al. (2016) in a homozygous Iranian family with autosomal recessive nonsyndromic hearing loss. This substitution replaces aspartic acid with asparagine, potentially affecting cadherin-23 function and inner-ear hair-cell integrity. Considering the previously reported association with hearing loss, the patient's clinical phenotype, and the segregation pattern, this variant is strongly supportive of the molecular diagnosis and is considered pathogenic.

Literature cited by the submitters: DOI 10.1038/gim.2015.89.

NM_022124.6(CDH23):c.5851G>A (p.Asp1951Asn)

Gene: CDH23 (cadherin related 23; plus strand). Cytogenetic location: 10q22.1.
Variant type: single nucleotide variant.
Coding change: c.5851G>A on transcript NM_022124.6 (MANE Select); coding-DNA position 5851, G replaced by A.
Protein change: p.Asp1951Asn; replaces aspartic acid 1951 with asparagine.
Molecular consequence: missense variant.
Genome position (GRCh38, 1-based): chr10:71,788,970, G>A. VCF-style: chr10-71788970-G-A. GRCh37 (hg19) VCF-style: chr10-73548727-G-A.
Other names: short protein forms D1951N.
Identifiers: ClinVar variation 5043354 (VCV005043354.1).